The following is an entry in ClinVar:

NM_001126108.2(SLC12A3):c.2379dup (p.Phe794fs)

Gene: SLC12A3 (solute carrier family 12 member 3; plus strand). Cytogenetic location: 16q13.
Variant type: Duplication.
Coding change: c.2379dup on transcript NM_001126108.2 (MANE Select); coding-DNA position 2379, one base duplicated (G; older notation c.2379dupG).
Protein change: p.Phe794fs; shifts the reading frame from phenylalanine 794.
Molecular consequence: frameshift variant.
Genome position (GRCh38, 1-based): chr16:56,892,093, G duplicated. VCF-style (leftmost placement, unchanged base first): chr16-56892092-T-TG. GRCh37 (hg19) VCF-style: chr16-56926004-T-TG.
Other names: c.2379dup, p.Phe794fs (NM_000339.3); c.2376dup, p.Phe793fs (NM_001126107.2); short protein forms F793fs, F794fs.
Identifiers: ClinVar variation 1071754 (VCV001071754.9), dbSNP rs767710222, ClinGen allele CA8069873.

ClinVar aggregate classification (germline): Pathogenic (1 of 4 stars; one submission).

Allele frequency attached by ClinVar (database versions not stated): gnomAD exomes below 0.00001; ExAC 0.00001.

Submission:

Labcorp Genetics (formerly Invitae), Labcorp
Classification: Pathogenic. Last evaluated: 2020-03-14. Review status: criteria provided, single submitter. Criteria: Invitae Variant Classification Sherloc (09022015). Collection method: clinical testing. Allele origin: germline.
Comment: For these reasons, this variant has been classified as Pathogenic. This sequence change creates a premature translational stop signal (p.Phe794Valfs*2) in the SLC12A3 gene. It is expected to result in an absent or disrupted protein product. This variant is present in population databases (rs767710222, ExAC 0.001%). This variant has been observed in individual(s) with Gitelman syndrome (PMID: 18391953). This variant is also known as c.2379-2380insG (p.F994FS) in the literature.. Loss-of-function variants in SLC12A3 are known to be pathogenic (PMID: 20848653, 22009145, 25841442).

Literature cited by the submitters: PubMed 18391953; PubMed 20848653; PubMed 22009145; PubMed 25841442.